The following is an entry in ClinVar:

NM_022336.4(EDAR):c.641dup (p.Pro215fs)

Genes: EDAR (ectodysplasin A receptor; minus strand), RANBP2 (RAN binding protein 2; plus strand). Cytogenetic location: 2q13.
Variant type: Duplication.
Coding change: c.641dup on transcript NM_022336.4 (MANE Select); coding-DNA position 641, one base duplicated (A; older notation c.641dupA).
Protein change: p.Pro215fs; shifts the reading frame from proline 215.
Molecular consequence: frameshift variant.
Genome position (GRCh38, 1-based): chr2:108,910,961, T duplicated on the plus strand (A on the coding strand, the reverse complement: EDAR is on the minus strand); the first of 3 consecutive T bases (chr2:108,910,961-108,910,963); duplicating any one gives the same sequence. VCF-style (leftmost placement, unchanged base first): chr2-108910960-C-CT. GRCh37 (hg19) VCF-style: chr2-109527416-C-CT.
Other names: short protein forms P215fs.
Identifiers: ClinVar variation 2946816 (VCV002946816.3), dbSNP rs2470664645, ClinGen allele CA2740095684.

ClinVar aggregate classification (germline): Pathogenic (1 of 4 stars; one submission).

Conditions:
Ectodermal dysplasia 10A, hypohidrotic/hair/nail type, autosomal dominant (ECTD10A). Also called: Ectodermal Dysplasia 3, Anhidrotic. Identifiers: Orphanet 1810, Orphanet 238468, MedGen C3888065, MONDO:0007509, OMIM 129490.
Autosomal recessive hypohidrotic ectodermal dysplasia syndrome. Also called: Autosomal recessive hypohidrotic ectodermal dysplasia. Identifiers: Orphanet 248, MedGen C0406702, MONDO:0016619.

Submission:

Labcorp Genetics (formerly Invitae), Labcorp
Classification: Pathogenic for Ectodermal dysplasia 10A, hypohidrotic/hair/nail type, autosomal dominant; Autosomal recessive hypohidrotic ectodermal dysplasia syndrome. Last evaluated: 2023-10-05. Review status: criteria provided, single submitter. Criteria: Invitae Variant Classification Sherloc (09022015). Collection method: clinical testing. Allele origin: germline.
Comment: This sequence change creates a premature translational stop signal (p.Pro215Alafs*40) in the EDAR gene. It is expected to result in an absent or disrupted protein product. Loss-of-function variants in EDAR are known to be pathogenic (PMID: 10431241, 10431242, 20979233, 28981473). This variant is not present in population databases (gnomAD no frequency). This variant has not been reported in the literature in individuals affected with EDAR-related conditions. For these reasons, this variant has been classified as Pathogenic.

Literature cited by the submitters: PubMed 10431241; PubMed 10431242; PubMed 20979233; PubMed 28981473.